The following is an entry in ClinVar:

NM_000111.3(SLC26A3):c.2116dup (p.Ser706fs)

Gene: SLC26A3 (solute carrier family 26 member 3; minus strand). Cytogenetic location: 7q22.3.
Variant type: Duplication.
Coding change: c.2116dup on transcript NM_000111.3 (MANE Select); coding-DNA position 2116, one base duplicated (A; older notation c.2116dupA).
Protein change: p.Ser706fs; shifts the reading frame from serine 706.
Molecular consequence: frameshift variant.
Genome position (GRCh38, 1-based): chr7:107,767,855, T duplicated on the plus strand (A on the coding strand, the reverse complement: SLC26A3 is on the minus strand); the first of 4 consecutive T bases (chr7:107,767,855-107,767,858); duplicating any one gives the same sequence. VCF-style (leftmost placement, unchanged base first): chr7-107767854-C-CT. GRCh37 (hg19) VCF-style: chr7-107408299-C-CT.
Other names: short protein forms S706fs.
Identifiers: ClinVar variation 2901778 (VCV002901778.3), dbSNP rs386833473, ClinGen allele CA831193296.

ClinVar aggregate classification (germline): Pathogenic (1 of 4 stars; one submission).

Submission:

Labcorp Genetics (formerly Invitae), Labcorp
Classification: Pathogenic. Last evaluated: 2023-12-11. Review status: criteria provided, single submitter. Criteria: Invitae Variant Classification Sherloc (09022015). Collection method: clinical testing. Allele origin: germline.
Comment: This sequence change creates a premature translational stop signal (p.Ser706Lysfs*10) in the SLC26A3 gene. It is expected to result in an absent or disrupted protein product. Loss-of-function variants in SLC26A3 are known to be pathogenic (PMID: 9718329, 21394828). This variant is not present in population databases (gnomAD no frequency). This variant has not been reported in the literature in individuals affected with SLC26A3-related conditions. Algorithms developed to predict the effect of sequence changes on RNA splicing suggest that this variant may disrupt the consensus splice site. For these reasons, this variant has been classified as Pathogenic.

Literature cited by the submitters: PubMed 9718329; PubMed 21394828.